The following is an entry in ClinVar:

NM_000503.6(EYA1):c.1530G>A (p.Ala510=)

Gene: EYA1 (EYA transcriptional coactivator and phosphatase 1; minus strand). Cytogenetic location: 8q13.3.
Variant type: single nucleotide variant.
Coding change: c.1530G>A on transcript NM_000503.6 (MANE Select); coding-DNA position 1530, G replaced by A.
Protein change: p.Ala510=; no amino-acid change (alanine 510 retained).
Molecular consequence: synonymous variant.
Genome position (GRCh38, 1-based): chr8:71,215,454, C>T on the plus strand (G>A on the coding strand, the complement: EYA1 is on the minus strand). VCF-style: chr8-71215454-C-T. GRCh37 (hg19) VCF-style: chr8-72127689-C-T.
Other names: c.1512G>A, p.Ala504= (NM_001288574.2, NM_172059.5); c.1164G>A, p.Ala388= (NM_001288575.2); c.1617G>A, p.Ala539= (NM_001370333.1); c.1530G>A, p.Ala510= (NM_001370334.1, NM_001370335.1, NM_172058.4); c.1509G>A, p.Ala503= (NM_001370336.1); c.1530G>A (NM_172058.3).
Identifiers: ClinVar variation 1530594 (VCV001530594.11), dbSNP rs147434089, ClinGen allele CA4779427.
Genomic context (GRCh38, chr8:71,215,454, plus strand): 5'-AGTTGCACTGTAAATATTTTCTATTGGAAATACAATTCCTAACCCATACAGCAGGACTTT[C>T]GCCAATGCTGGGATGAGCTGAGTAGTTGTTACTAAAATATTCACACAGTTTGTCCTATGA-3'
Protein context (NP_000494.2, residues 500-520): VTTTQLIPAL[Ala510=]KVLLYGLGIV

ClinVar aggregate classification (germline): Likely benign. Review status: criteria provided, multiple submitters, no conflicts (2 of 4 stars). 3 submissions from 3 submitters: Likely benign (2). 1 of the submissions does not count toward it. Last evaluated 2025-10-05.

Conditions:
Otofaciocervical syndrome 1 (OTFCS). Identifiers: MedGen C3714941, MONDO:0024532, OMIM 166780.
Branchiootorenal syndrome 1. Also called: Branchio-Oto-Renal Syndrome 1. Identifiers: Orphanet 107, MedGen C4551702, MONDO:0007236, OMIM 113650.
Branchiootic syndrome 1 (BOS1). Also called: BO SYNDROME 1; BRANCHIOOTIC DYSPLASIA. Identifiers: MedGen C1865143, MONDO:0011258, OMIM 602588.
EYA1-related disorder. Also called: EYA1-related condition.
Melnick-Fraser syndrome (BOR). Also called: Branchio-oto-renal syndrome; Branchiootorenal Syndrome (BORS); Branchiootorenal syndrome. Identifiers: Orphanet 107, MedGen C0265234, MONDO:0007029.

Allele frequency attached by ClinVar (database versions not stated): gnomAD exomes 0.00004; gnomAD 0.00005; ExAC 0.00006; ESP Exome Variant Server 0.00008; TOPMed 0.00011.
gnomAD v4.1: 70 of 1,613,016 alleles (0.0043%); highest among the groups gnomAD compares: Admixed American, 0.0083%; no homozygotes.

Submissions (3):

Labcorp Genetics (formerly Invitae), Labcorp
Classification: Likely benign for Melnick-Fraser syndrome. Last evaluated: 2025-10-05. Review status: criteria provided, single submitter. Criteria: Invitae Variant Classification Sherloc (09022015). Collection method: clinical testing. Allele origin: germline.

Fulgent Genetics
Classification: Likely benign for Branchiootorenal syndrome 1; Otofaciocervical syndrome 1; Branchiootic syndrome 1. Last evaluated: 2021-11-13. Review status: criteria provided, single submitter. Criteria: ACMG Guidelines, 2015. Collection method: clinical testing. Allele origin: unknown.

PreventionGenetics, part of Exact Sciences
Classification: Likely benign for EYA1-related condition. Last evaluated: 2022-02-07. Review status: no assertion criteria provided. Collection method: clinical testing. Allele origin: germline. Not counted in ClinVar's aggregate classification.
Comment: This variant is classified as likely benign based on ACMG/AMP sequence variant interpretation guidelines (Richards et al. 2015 PMID: 25741868, with internal and published modifications).